The following is an entry in ClinVar:

ClinVar aggregate classification (germline): Pathogenic (1 of 4 stars; one submission).

Conditions:
Autosomal recessive limb-girdle muscular dystrophy type 2E (LGMDR4). Also called: MUSCULAR DYSTROPHY, LIMB-GIRDLE, AUTOSOMAL RECESSIVE 4. Identifiers: Orphanet 119, MedGen C1858593, MONDO:0011423, OMIM 604286. Disease mechanism: Affects gamma-sarcoglycan and also disrupts the integrity of the entire sarcoglycan complex..

Submission:

Myriad Genetics, Inc.
Classification: Pathogenic for Autosomal recessive limb-girdle muscular dystrophy type 2E. Last evaluated: 2025-04-21. Review status: criteria provided, single submitter. Criteria: Myriad Autosomal Dominant, Autosomal Recessive and X-Linked Classification Criteria (2023). Collection method: clinical testing. Allele origin: unknown.
Comment: NM_000232.4(SGCB):c.447delG(T150Qfs*6) is expected to be pathogenic in the context of beta-sarcoglycanopathy. This variant is predicted to lead to an abnormal or absent protein product due to the creation of a premature termination codon in SGCB, a gene where loss-of-function variants are known to be pathogenic. Please note: this variant was assessed in the context of healthy population screening.

NM_000232.5(SGCB):c.447del (p.Thr150fs)

Gene: SGCB (sarcoglycan beta; minus strand). Cytogenetic location: 4q12.
Variant type: Deletion.
Coding change: c.447del on transcript NM_000232.5 (MANE Select); coding-DNA position 447, one base deleted (G; older notation c.447delG).
Protein change: p.Thr150fs; shifts the reading frame from threonine 150.
Molecular consequence: frameshift variant.
Genome position (GRCh38, 1-based): chr4:52,028,904, C deleted on the plus strand (G on the coding strand, the reverse complement: SGCB is on the minus strand); the first of 3 consecutive C bases (chr4:52,028,904-52,028,906); deleting any one gives the same sequence. VCF-style (leftmost placement, unchanged base first): chr4-52028903-TC-T. GRCh37 (hg19) VCF-style: chr4-52895069-TC-T.
Other names: c.237del, p.Thr80fs (NM_001440519.1); c.150del, p.Thr51fs (NM_001440520.1); short protein forms T150fs, T51fs, T80fs.
Identifiers: ClinVar variation 5014344 (VCV005014344.1).
Genomic context (GRCh38, chr4:52,028,903, plus strand): 5'-ACTGCATGCCGATGTCACTTGTAATAGAAGTTTTGTTGTTTTCTACACTGAGCTTTGTTG[TC>T]CCTTGCTGAAAAACAATCTTCAAAAAAAACAGTTTATTGTGAATATATTTTCAAAGAAGA-3'